The following is an entry in ClinVar:

NM_016111.4(TELO2):c.1968C>T (p.Ala656=)

Gene: TELO2 (telomere maintenance 2; plus strand). Cytogenetic location: 16p13.3.
Variant type: single nucleotide variant.
Coding change: c.1968C>T on transcript NM_016111.4 (MANE Select); coding-DNA position 1968, C replaced by T.
Protein change: p.Ala656=; no amino-acid change (alanine 656 retained).
Molecular consequence: synonymous variant.
Genome position (GRCh38, 1-based): chr16:1,505,535, C>T. VCF-style: chr16-1505535-C-T. GRCh37 (hg19) VCF-style: chr16-1555536-C-T.
Other names: c.1968C>T, p.Ala656= (NM_001351846.2).
Identifiers: ClinVar variation 2645905 (VCV002645905.27), dbSNP rs140525704, ClinGen allele CA7812406.
Genomic context (GRCh38, chr16:1,505,535, plus strand): 5'-CTCCCCAAGTCCCAACACCCCGTGCCTGCCAGAGGCAGCCGTCTCTCAGCCTGGCAGTGC[C>T]GTGGCGTCTGACTGGCGGGTGGTGGTGGAGGAGCGGATCAGAAGCAAGACCCAGCGGCTC-3'
Protein context (NP_057195.2, residues 646-666): PEAAVSQPGS[Ala656=]VASDWRVVVE

ClinVar aggregate classification (germline): Likely benign. Review status: criteria provided, multiple submitters, no conflicts (2 of 4 stars). 2 submissions from 2 submitters: Likely benign (2). Last evaluated 2025-11-24.

Allele frequency attached by ClinVar (database versions not stated): ESP Exome Variant Server 0.00015; ExAC 0.00020; TOPMed 0.00022; gnomAD 0.00025; gnomAD exomes 0.00027.
gnomAD v4.1: 416 of 1,611,716 alleles (0.026%); highest among the groups gnomAD compares: Non-Finnish European, 0.034%; 1 homozygote.

Submissions (2):

Labcorp Genetics (formerly Invitae), Labcorp
Classification: Likely benign. Last evaluated: 2025-11-24. Review status: criteria provided, single submitter. Criteria: Invitae Variant Classification Sherloc (09022015). Collection method: clinical testing. Allele origin: germline.

CeGaT Center for Human Genetics Tuebingen
Classification: Likely benign. Last evaluated: 2022-05-01. Review status: criteria provided, single submitter. Criteria: CeGaT Center For Human Genetics Tuebingen Variant Classification Criteria Version 2. Collection method: clinical testing. Allele origin: germline. Affected: yes. Observed: 2 variant alleles.
Comment: TELO2: BP4, BP7